The following is an entry in ClinVar:

ClinVar aggregate classification (germline): Uncertain significance. Review status: criteria provided, multiple submitters, no conflicts (2 of 4 stars). 3 submissions from 3 submitters: Uncertain significance (3). Last evaluated 2025-01-29.

Conditions:
Endometrial carcinoma. Also called: Endometrial carcinoma, somatic. Identifiers: MedGen C0476089, MONDO:0002447, OMIM 608089, HP:0012114.
Colorectal cancer, hereditary nonpolyposis, type 7. Identifiers: Orphanet 144, MedGen C1858380, MONDO:0013725, OMIM 614385.
Colorectal cancer. Also called: Malignant Colorectal Neoplasm; Colorectal cancer, somatic. Identifiers: MedGen C0346629, MONDO:0005575, OMIM 114500.

Allele frequency attached by ClinVar (database versions not stated): gnomAD exomes 0.00001; gnomAD 0.00001; ExAC 0.00002.
gnomAD v4.1: 15 of 1,613,112 alleles (0.00093%); highest among the groups gnomAD compares: Non-Finnish European, 0.0012%; no homozygotes.

Submissions (3):

ARUP Laboratories, Molecular Genetics and Genomics, ARUP Laboratories
Classification: Uncertain significance. Last evaluated: 2025-01-29. Review status: criteria provided, single submitter. Criteria: ARUP Molecular Germline Variant Investigation Process 2024. Collection method: clinical testing. Allele origin: germline.
Comment: The MLH3 c.3388G>A; p.Asp1130Asn variant (rs775592318), to our knowledge, is not reported in the medical literature but is reported in ClinVar (Variation ID: 1730867). This variant is found in the general population with an overall allele frequency of 0.0012% (3/251458 alleles) in the Genome Aggregation Database (v2.1.1). Computational analyses predict that this variant is neutral (REVEL: 0.051). Due to limited information, the clinical significance of this variant is uncertain at this time.

Ambry Genetics
Classification: Uncertain significance. Last evaluated: 2024-03-14. Review status: criteria provided, single submitter. Criteria: Ambry Variant Classification Scheme 2023. Collection method: clinical testing. Allele origin: germline.
Comment: The p.D1130N variant (also known as c.3388G>A), located in coding exon 3 of the MLH3 gene, results from a G to A substitution at nucleotide position 3388. The aspartic acid at codon 1130 is replaced by asparagine, an amino acid with highly similar properties. This amino acid position is conserved. In addition, this alteration is predicted to be tolerated by in silico analysis. Since supporting evidence is limited at this time, the clinical significance of this alteration remains unclear.

Fulgent Genetics
Classification: Uncertain significance for Colorectal cancer; Endometrial carcinoma; Colorectal cancer, hereditary nonpolyposis, type 7. Last evaluated: 2024-01-10. Review status: criteria provided, single submitter. Criteria: ACMG Guidelines, 2015. Collection method: clinical testing. Allele origin: germline.

NM_001040108.2(MLH3):c.3388G>A (p.Asp1130Asn)

Gene: MLH3 (mutL homolog 3; minus strand). Cytogenetic location: 14q24.3.
Variant type: single nucleotide variant.
Coding change: c.3388G>A on transcript NM_001040108.2 (MANE Select); coding-DNA position 3388, G replaced by A.
Protein change: p.Asp1130Asn; replaces aspartic acid 1130 with asparagine.
Molecular consequence: missense variant.
Genome position (GRCh38, 1-based): chr14:75,041,692, C>T on the plus strand (G>A on the coding strand, the complement: MLH3 is on the minus strand). VCF-style: chr14-75041692-C-T. GRCh37 (hg19) VCF-style: chr14-75508395-C-T.
Other names: c.3388G>A, p.Asp1130Asn (NM_014381.3); short protein forms D1130N.
Identifiers: ClinVar variation 1730867 (VCV001730867.4), dbSNP rs775592318, ClinGen allele CA7275507.
Genomic context (GRCh38, chr14:75,041,692, plus strand): 5'-ATACTGGATTGTCCCATTCTGAGAACAAAGACTGAAGCGATTCGCTACTAACAGTATCAT[C>T]CACAGTATCTAGGGCAAAAGGGAACAGGTAAAGTTGGCATCCAGAACCACAGGGAAAGGA-3'
Protein context (NP_001035197.1, residues 1120-1140): VMRQDNRDTV[Asp1130Asn]DTVSSESLQS